The following is an entry in ClinVar:

NM_003922.4(HERC1):c.3441C>T (p.Leu1147=)

Gene: HERC1 (HECT and RLD domain containing E3 ubiquitin protein ligase family member 1; minus strand). Cytogenetic location: 15q22.31.
Variant type: single nucleotide variant.
Coding change: c.3441C>T on transcript NM_003922.4 (MANE Select); coding-DNA position 3441, C replaced by T.
Protein change: p.Leu1147=; no amino-acid change (leucine 1147 retained).
Molecular consequence: synonymous variant.
Genome position (GRCh38, 1-based): chr15:63,725,419, G>A on the plus strand (C>T on the coding strand, the complement: HERC1 is on the minus strand). VCF-style: chr15-63725419-G-A. GRCh37 (hg19) VCF-style: chr15-64017618-G-A.
Identifiers: ClinVar variation 3389633 (VCV003389633.14).

ClinVar aggregate classification (germline): Likely benign (1 of 4 stars; one submission).

gnomAD v4.1: 3 of 1,613,702 alleles (0.00019%); highest among the groups gnomAD compares: Admixed American, 0.0033%; no homozygotes.

Submission:

CeGaT Center for Human Genetics Tuebingen
Classification: Likely benign. Last evaluated: 2024-09-01. Review status: criteria provided, single submitter. Criteria: CeGaT Center For Human Genetics Tuebingen Variant Classification Criteria Version 2. Collection method: clinical testing. Allele origin: germline. Affected: yes. Observed: 1 variant allele.
Comment: HERC1: BP4, BP7